The following is an entry in ClinVar:

ClinVar aggregate classification (germline): Uncertain significance (1 of 4 stars; one submission).

Conditions:
Epidermodysplasia verruciformis. Identifiers: Orphanet 302, MedGen C0014522, MONDO:0009176.

Allele frequency attached by ClinVar (database versions not stated): gnomAD 0.00001; gnomAD exomes 0.00002.
gnomAD v4.1: 9 of 1,532,624 alleles (0.00059%); highest among the groups gnomAD compares: African/African-American, 0.0082%; no homozygotes.

Submission:

Labcorp Genetics (formerly Invitae), Labcorp
Classification: Uncertain significance for Epidermodysplasia verruciformis. Last evaluated: 2022-08-19. Review status: criteria provided, single submitter. Criteria: Invitae Variant Classification Sherloc (09022015). Collection method: clinical testing. Allele origin: germline.
Comment: This sequence change replaces glycine, which is neutral and non-polar, with arginine, which is basic and polar, at codon 93 of the TMC8 protein (p.Gly93Arg). This variant is present in population databases (no rsID available, gnomAD 0.01%). This variant has not been reported in the literature in individuals affected with TMC8-related conditions. ClinVar contains an entry for this variant (Variation ID: 1421227). Algorithms developed to predict the effect of missense changes on protein structure and function output the following: SIFT: "Tolerated"; PolyPhen-2: "Possibly Damaging"; Align-GVGD: "Class C0". The arginine amino acid residue is found in multiple mammalian species, which suggests that this missense change does not adversely affect protein function. Algorithms developed to predict the effect of sequence changes on RNA splicing suggest that this variant may create or strengthen a splice site. In summary, the available evidence is currently insufficient to determine the role of this variant in disease. Therefore, it has been classified as a Variant of Uncertain Significance.

NM_152468.5(TMC8):c.277G>A (p.Gly93Arg)

Genes: TMC6 (transmembrane channel like 6; minus strand), TMC8 (transmembrane channel like 8; plus strand). Cytogenetic location: 17q25.3.
Variant type: single nucleotide variant.
Coding change: c.277G>A on transcript NM_152468.5 (MANE Select); coding-DNA position 277, G replaced by A.
Protein change: p.Gly93Arg; replaces glycine 93 with arginine.
Molecular consequence: missense variant. On other transcripts: intron variant (1).
Genome position (GRCh38, 1-based): chr17:78,132,009, G>A. VCF-style: chr17-78132009-G-A. GRCh37 (hg19) VCF-style: chr17-76128090-G-A.
Other names: c.-75+332C>T (NM_007267.7); short protein forms G93R.
Identifiers: ClinVar variation 1421227 (VCV001421227.6), dbSNP rs954490437, ClinGen allele CA294359515.